The following is an entry in ClinVar:

NM_004260.4(RECQL4):c.1741C>T (p.Pro581Ser)

Gene: RECQL4 (RecQ like helicase 4; minus strand). Cytogenetic location: 8q24.3.
Variant type: single nucleotide variant.
Coding change: c.1741C>T on transcript NM_004260.4 (MANE Select); coding-DNA position 1741, C replaced by T.
Protein change: p.Pro581Ser; replaces proline 581 with serine.
Molecular consequence: missense variant.
Genome position (GRCh38, 1-based): chr8:144,514,326, G>A on the plus strand (C>T on the coding strand, the complement: RECQL4 is on the minus strand). VCF-style: chr8-144514326-G-A. GRCh37 (hg19) VCF-style: chr8-145739710-G-A.
Other names: short protein forms P581S.
Identifiers: ClinVar variation 960738 (VCV000960738.5), dbSNP rs776147492, ClinGen allele CA372681134.

ClinVar aggregate classification (germline): Uncertain significance (1 of 4 stars; one submission).

Conditions:
Baller-Gerold syndrome (BGS). Also called: CRANIOSYNOSTOSIS WITH RADIAL DEFECTS. Identifiers: Orphanet 1225, MedGen C0265308, MONDO:0009039, OMIM 218600.

gnomAD v4.1: 3 of 1,608,594 alleles (0.00019%); highest among the groups gnomAD compares: South Asian, 0.0022%; no homozygotes.

Submission:

Labcorp Genetics (formerly Invitae), Labcorp
Classification: Uncertain significance for Baller-Gerold syndrome. Last evaluated: 2025-07-31. Review status: criteria provided, single submitter. Criteria: Invitae Variant Classification Sherloc (09022015). Collection method: clinical testing. Allele origin: germline.
Comment: This sequence change replaces proline, which is neutral and non-polar, with serine, which is neutral and polar, at codon 581 of the RECQL4 protein (p.Pro581Ser). This variant is present in population databases (no rsID available, gnomAD 0.003%). This variant has not been reported in the literature in individuals affected with RECQL4-related conditions. ClinVar contains an entry for this variant (Variation ID: 960738). Invitae Evidence Modeling of protein sequence and biophysical properties (such as structural, functional, and spatial information, amino acid conservation, physicochemical variation, residue mobility, and thermodynamic stability) indicates that this missense variant is expected to disrupt RECQL4 protein function with a positive predictive value of 80%. In summary, the available evidence is currently insufficient to determine the role of this variant in disease. Therefore, it has been classified as a Variant of Uncertain Significance.